The following is an entry in ClinVar:

ClinVar aggregate classification (germline): Pathogenic (1 of 4 stars; one submission).

Submission:

Labcorp Genetics (formerly Invitae), Labcorp
Classification: Pathogenic. Last evaluated: 2020-10-07. Review status: criteria provided, single submitter. Criteria: Invitae Variant Classification Sherloc (09022015). Collection method: clinical testing. Allele origin: germline.
Comment: For these reasons, this variant has been classified as Pathogenic. Loss-of-function variants in PHEX are known to be pathogenic (PMID: 9097956, 9106524, 19219621). This variant has not been reported in the literature in individuals with PHEX-related conditions. This variant is not present in population databases (ExAC no frequency). This sequence change creates a premature translational stop signal (p.Gly667Aspfs*20) in the PHEX gene. It is expected to result in an absent or disrupted protein product.

Literature cited by the submitters: PubMed 9097956; PubMed 9106524; PubMed 19219621.

NM_000444.6(PHEX):c.2000del (p.Gly667fs)

Genes: PHEX (phosphate regulating endopeptidase X-linked; plus strand), PTCHD1-AS (PTCHD1 and PHEX antisense RNA; minus strand). Cytogenetic location: Xp22.11.
Variant type: Deletion.
Coding change: c.2000del on transcript NM_000444.6 (MANE Select); coding-DNA position 2000, one base deleted (G; older notation c.2000delG).
Protein change: p.Gly667fs; shifts the reading frame from glycine 667.
Molecular consequence: frameshift variant. On other transcripts: non-coding transcript variant (1).
Genome position (GRCh38, 1-based): chrX:22,227,541, G deleted; the last of 3 consecutive G bases (chrX:22,227,539-22,227,541); deleting any one gives the same sequence. VCF-style (leftmost placement, unchanged base first): chrX-22227538-AG-A. GRCh37 (hg19) VCF-style: chrX-22245655-AG-A.
Other names: c.2000del, p.Gly667fs (NM_001282754.2); short protein forms G667fs.
Identifiers: ClinVar variation 959780 (VCV000959780.7), dbSNP rs1935548501, ClinGen allele CA1139667316.